The following is an entry in ClinVar:

NM_006231.4(POLE):c.3061G>C (p.Ala1021Pro)

Gene: POLE (DNA polymerase epsilon, catalytic subunit; minus strand). Cytogenetic location: 12q24.33.
Variant type: single nucleotide variant.
Coding change: c.3061G>C on transcript NM_006231.4 (MANE Select); coding-DNA position 3061, G replaced by C.
Protein change: p.Ala1021Pro; replaces alanine 1021 with proline.
Molecular consequence: missense variant.
Genome position (GRCh38, 1-based): chr12:132,659,509, C>G on the plus strand (G>C on the coding strand, the complement: POLE is on the minus strand). VCF-style: chr12-132659509-C-G. GRCh37 (hg19) VCF-style: chr12-133236095-C-G.
Other names: c.3061G>C (NM_006231.2); short protein forms A1021P.
Identifiers: ClinVar variation 1042222 (VCV001042222.10), dbSNP rs2042633028, ClinGen allele CA387391936.

ClinVar aggregate classification (germline): Uncertain significance. Review status: criteria provided, multiple submitters, no conflicts (2 of 4 stars). 2 submissions from 2 submitters: Uncertain significance (2). Last evaluated 2025-04-18.

Conditions:
Hereditary cancer-predisposing syndrome. Also called: Hereditary Cancer Syndrome; Tumor predisposition; Hereditary neoplastic syndrome; Neoplastic Syndromes, Hereditary. Identifiers: Orphanet 140162, MedGen C0027672, MeSH D009386, MONDO:0015356.

Submissions (2):

Ambry Genetics
Classification: Uncertain significance for Hereditary cancer-predisposing syndrome. Last evaluated: 2025-04-18. Review status: criteria provided, single submitter. Criteria: Ambry Variant Classification Scheme 2023. Collection method: clinical testing. Allele origin: germline.
Comment: The p.A1021P variant (also known as c.3061G>C) is located in coding exon 26 of the POLE gene. The alanine at codon 1021 is replaced by proline, an amino acid with highly similar properties. This change occurs in the first base pair of coding exon 26. This amino acid position is conserved. In addition, the in silico prediction for this alteration is inconclusive. Based on the available evidence, the clinical significance of this variant remains unclear.

Labcorp Genetics (formerly Invitae), Labcorp
Classification: Uncertain significance. Last evaluated: 2020-01-23. Review status: criteria provided, single submitter. Criteria: Invitae Variant Classification Sherloc (09022015). Collection method: clinical testing. Allele origin: germline.
Comment: In summary, the available evidence is currently insufficient to determine the role of this variant in disease. Therefore, it has been classified as a Variant of Uncertain Significance. Algorithms developed to predict the effect of sequence changes on RNA splicing suggest that this variant may disrupt the consensus splice site, but this prediction has not been confirmed by published transcriptional studies. Algorithms developed to predict the effect of missense changes on protein structure and function are either unavailable or do not agree on the potential impact of this missense change (SIFT: "Tolerated"; PolyPhen-2: "Probably Damaging"; Align-GVGD: "Class C0"). This variant has not been reported in the literature in individuals with POLE-related conditions. This variant is not present in population databases (ExAC no frequency). This sequence change replaces alanine with proline at codon 1021 of the POLE protein (p.Ala1021Pro). The alanine residue is moderately conserved and there is a small physicochemical difference between alanine and proline.